The following is an entry in ClinVar:

ClinVar aggregate classification (germline): Benign/Likely benign. Review status: criteria provided, multiple submitters, no conflicts (2 of 4 stars). 5 submissions from 5 submitters: Benign (1); Likely benign (4). Last evaluated 2025-08-01.

Conditions:
Familial adenomatous polyposis 1 (FAP1). Also called: FAMILIAL ADENOMATOUS POLYPOSIS 1, ATTENUATED; POLYPOSIS, ADENOMATOUS INTESTINAL. Identifiers: MedGen C2713442, MONDO:0021056, OMIM 175100. Disease mechanism: loss of function.
Hereditary cancer-predisposing syndrome. Also called: Hereditary Cancer Syndrome; Neoplastic Syndromes, Hereditary; Hereditary neoplastic syndrome; Tumor predisposition. Identifiers: Orphanet 140162, MedGen C0027672, MeSH D009386, MONDO:0015356.

Allele frequency attached by ClinVar (database versions not stated): gnomAD exomes below 0.00001.
gnomAD v4.1: 1 of 1,614,014 alleles (0.000062%); highest among the groups gnomAD compares: Non-Finnish European, 0.000085%; no homozygotes.

Submissions (5):

CeGaT Center for Human Genetics Tuebingen
Classification: Likely benign. Last evaluated: 2025-08-01. Review status: criteria provided, single submitter. Criteria: CeGaT Center For Human Genetics Tuebingen Variant Classification Criteria Version 2. Collection method: clinical testing. Allele origin: germline. Affected: yes. Observed: 1 variant allele.
Comment: APC: BP4, BP7

Labcorp Genetics (formerly Invitae), Labcorp
Classification: Likely benign for Familial adenomatous polyposis 1. Last evaluated: 2024-05-12. Review status: criteria provided, single submitter. Criteria: Invitae Variant Classification Sherloc (09022015). Collection method: clinical testing. Allele origin: germline.

Myriad Genetics, Inc.
Classification: Benign for Familial adenomatous polyposis 1. Last evaluated: 2024-04-09. Review status: criteria provided, single submitter. Criteria: Myriad Autosomal Dominant, Autosomal Recessive and X-Linked Classification Criteria (2023). Collection method: clinical testing. Allele origin: unknown.
Comment: This variant is considered benign. This variant is a silent/synonymous amino acid change and it is not expected to impact splicing.

Ambry Genetics
Classification: Likely benign for Hereditary cancer-predisposing syndrome. Last evaluated: 2023-08-30. Review status: criteria provided, single submitter. Criteria: Ambry Variant Classification Scheme 2023. Collection method: clinical testing. Allele origin: germline.

Color Diagnostics, LLC DBA Color Health
Classification: Likely benign for Hereditary cancer-predisposing syndrome. Last evaluated: 2022-11-07. Review status: criteria provided, single submitter. Criteria: ACMG Guidelines, 2015. Collection method: clinical testing. Allele origin: germline.

NM_000038.6(APC):c.7366T>C (p.Leu2456=)

Gene: APC (APC regulator of Wnt signaling pathway; plus strand). Cytogenetic location: 5q22.2.
Variant type: single nucleotide variant.
Coding change: c.7366T>C on transcript NM_000038.6 (MANE Select); coding-DNA position 7366, T replaced by C.
Protein change: p.Leu2456=; no amino-acid change (leucine 2456 retained).
Molecular consequence: synonymous variant. On other transcripts: non-coding transcript variant (2).
Genome position (GRCh38, 1-based): chr5:112,842,960, T>C. VCF-style: chr5-112842960-T-C. GRCh37 (hg19) VCF-style: chr5-112178657-T-C.
Other names: c.7366T>C, p.Leu2456= (NM_001127510.3, NM_001354895.2, NM_001407450.1); c.7312T>C, p.Leu2438= (NM_001127511.3); c.7420T>C, p.Leu2474= (NM_001354896.2, NM_001407447.1, NM_001407448.1 and 1 more transcripts); c.7396T>C, p.Leu2466= (NM_001354897.2); c.7291T>C, p.Leu2431= (NM_001354898.2); c.7282T>C, p.Leu2428= (NM_001354899.2); c.7243T>C, p.Leu2415= (NM_001354900.2); c.7189T>C, p.Leu2397= (NM_001354901.2, NM_001407453.1); and 12 more.
Identifiers: ClinVar variation 2163419 (VCV002163419.17), dbSNP rs1192175221, ClinGen allele CA446210507.
Genomic context (GRCh38, chr5:112,842,960, plus strand): 5'-GTATTAGTACGCCAGTCAACTTTCATCAAAGAAGCTCCAAGCCCAACCTTAAGAAGAAAA[T>C]TGGAGGAATCTGCTTCATTTGAATCTCTTTCTCCATCATCTAGACCAGCTTCTCCCACTA-3'
Protein context (NP_000029.2, residues 2446-2466): EAPSPTLRRK[Leu2456=]EESASFESLS